The following is an entry in ClinVar:

NM_000059.4(BRCA2):c.565dup (p.Asp189fs)

Gene: BRCA2 (BRCA2 DNA repair associated; plus strand). Cytogenetic location: 13q13.1.
Variant type: Duplication.
Coding change: c.565dup on transcript NM_000059.4 (MANE Select); coding-DNA position 565, one base duplicated (G; older notation c.565dupG).
Protein change: p.Asp189fs; shifts the reading frame from aspartic acid 189.
Molecular consequence: frameshift variant.
Genome position (GRCh38, 1-based): chr13:32,326,547, G duplicated; the last of 2 consecutive G bases (chr13:32,326,546-32,326,547); duplicating either gives the same sequence. VCF-style (leftmost placement, unchanged base first): chr13-32326545-T-TG. GRCh37 (hg19) VCF-style: chr13-32900682-T-TG.
Other names: c.565dupG (NM_000059.3); short protein forms D189fs.
Identifiers: ClinVar variation 548400 (VCV000548400.5), dbSNP rs1555281066, ClinGen allele CA658823634.
Genomic context (GRCh38, chr13:32,326,545, plus strand): 5'-TTCTTTCCTCCCAGGGTCGTCAGACACCAAAACATATTTCTGAAAGTCTAGGAGCTGAGG[T>TG]GGATCCTGATATGTCTTGGTCAAGTTCTTTAGCTACACCACCCACCCTTAGTTCTACTGT-3'

ClinVar aggregate classification (germline): Pathogenic. Review status: reviewed by expert panel (3 of 4 stars). 3 submissions from 3 submitters: Pathogenic (1). 2 of the submissions do not count toward it. Last evaluated 2017-12-15.

Conditions:
Hereditary breast ovarian cancer syndrome. Also called: Hereditary breast and ovarian cancer; Hereditary breast and/or ovarian cancer syndrome; Hereditary breast and ovarian cancer syndrome (HBOC); Breast and ovarian cancer; BRCA1- and BRCA2-Associated Hereditary Breast and Ovarian Cancer; Hereditary breast and ovarian cancer syndrome. Identifiers: Orphanet 145, MedGen C0677776, MeSH D061325, MONDO:0003582. Disease mechanism: loss of function.
Breast-ovarian cancer, familial, susceptibility to, 2 (BROVCA2). Also called: BRCA2 Hereditary Breast and Ovarian Cancer. Identifiers: Orphanet 145, MedGen C2675520, MONDO:0012933, OMIM 612555. Disease mechanism: loss of function.

Submissions (3):

Evidence-based Network for the Interpretation of Germline Mutant Alleles (ENIGMA)
Classification: Pathogenic for Breast-ovarian cancer, familial, susceptibility to, 2. Last evaluated: 2017-12-15. Review status: reviewed by expert panel. Criteria: ENIGMA BRCA1/2 Classification Criteria (2017-06-29). Collection method: curation. Allele origin: germline. Study: ENIGMA.
Comment: Variant allele predicted to encode a truncated non-functional protein.

Labcorp Genetics (formerly Invitae), Labcorp
Classification: Pathogenic for Hereditary breast ovarian cancer syndrome. Last evaluated: 2025-07-30. Review status: criteria provided, single submitter. Criteria: Invitae Variant Classification Sherloc (09022015). Collection method: clinical testing. Allele origin: germline. Not counted in ClinVar's aggregate classification.
Comment: This sequence change creates a premature translational stop signal (p.Asp189Glyfs*3) in the BRCA2 gene. It is expected to result in an absent or disrupted protein product. Loss-of-function variants in BRCA2 are known to be pathogenic (PMID: 20104584). This variant is not present in population databases (gnomAD no frequency). This variant has not been reported in the literature in individuals affected with BRCA2-related conditions. ClinVar contains an entry for this variant (Variation ID: 548400). Algorithms developed to predict the effect of sequence changes on RNA splicing suggest that this variant may disrupt the consensus splice site. For these reasons, this variant has been classified as Pathogenic.

Myriad Genetics, Inc.
Classification: Pathogenic for Breast-ovarian cancer, familial, susceptibility to, 2. Last evaluated: 2024-01-10. Review status: criteria provided, single submitter. Criteria: Myriad Autosomal Dominant, Autosomal Recessive and X-Linked Classification Criteria (2023). Collection method: clinical testing. Allele origin: unknown. Not counted in ClinVar's aggregate classification.
Comment: This variant is considered pathogenic. This variant creates a frameshift predicted to result in premature protein truncation.

Literature cited by the submitters: PubMed 20104584 (cited by Labcorp Genetics (formerly Invitae), Labcorp).